The following is an entry in ClinVar:

ClinVar aggregate classification (germline): Likely benign (1 of 4 stars; one submission).

Allele frequency attached by ClinVar (database versions not stated): TOPMed 0.00001.

Submission:

CeGaT Center for Human Genetics Tuebingen
Classification: Likely benign. Last evaluated: 2024-06-01. Review status: criteria provided, single submitter. Criteria: CeGaT Center For Human Genetics Tuebingen Variant Classification Criteria Version 2. Collection method: clinical testing. Allele origin: germline. Affected: yes. Observed: 1 variant allele.
Comment: BICRA: PM2:Supporting, BP4, BP7

NM_001394372.1(BICRA):c.4212G>T (p.Thr1404=)

Gene: BICRA (BRD4 interacting chromatin remodeling complex associated protein; plus strand). Cytogenetic location: 19q13.33.
Variant type: single nucleotide variant.
Coding change: c.4212G>T on transcript NM_001394372.1 (MANE Select); coding-DNA position 4212, G replaced by T.
Protein change: p.Thr1404=; no amino-acid change (threonine 1404 retained).
Molecular consequence: synonymous variant.
Genome position (GRCh38, 1-based): chr19:47,701,944, G>T. VCF-style: chr19-47701944-G-T. GRCh37 (hg19) VCF-style: chr19-48205201-G-T.
Other names: c.4212G>T, p.Thr1404= (NM_015711.3).
Identifiers: ClinVar variation 3250815 (VCV003250815.18), dbSNP rs1406839386.